The following is an entry in ClinVar:

NC_000003.12:g.169764823G>A

Genes: TERC (telomerase RNA component; minus strand), LOC110806306 (telomerase RNA component (TERC) promoter; plus strand). Cytogenetic location: 3q26.2.
Variant type: single nucleotide variant.
Genome position: GRCh38 VCF-style: chr3-169764823-G-A. GRCh37 (hg19) VCF-style: chr3-169482611-G-A.
Identifiers: ClinVar variation 933247 (VCV000933247.10), dbSNP rs1577384200, ClinGen allele CA436715315.

ClinVar aggregate classification (germline): Uncertain significance (1 of 4 stars; one submission).

Conditions:
Dyskeratosis congenita, autosomal dominant 1 (DKCA1). Also called: Dyskeratosis congenita Scoggins type. Identifiers: Orphanet 1775, MedGen C4551974, MONDO:0007485, OMIM 127550. Inheritance: Variable.

Submission:

Labcorp Genetics (formerly Invitae), Labcorp
Classification: Uncertain significance for Dyskeratosis congenita, autosomal dominant 1. Last evaluated: 2022-10-13. Review status: criteria provided, single submitter. Criteria: Invitae Variant Classification Sherloc (09022015). Collection method: clinical testing. Allele origin: germline.
Comment: This variant is located within the hypervariable region that is not conserved in the TERC RNA component (PMID: 10721988, 21844345). The functional significance of this region is not well understood. This variant occurs in the TERC gene, which encodes an RNA molecule that does not result in a protein product. This variant is not present in population databases (gnomAD no frequency). This variant has not been reported in the literature in individuals affected with TERC-related conditions. ClinVar contains an entry for this variant (Variation ID: 933247). In summary, the available evidence is currently insufficient to determine the role of this variant in disease. Therefore, it has been classified as a Variant of Uncertain Significance.

Literature cited by the submitters: PubMed 10721988; PubMed 21844345.